The following is an entry in ClinVar:

NM_001384732.1(CPLANE1):c.4156C>T (p.Leu1386Phe)

Gene: CPLANE1 (ciliogenesis and planar polarity effector complex subunit 1; minus strand). Cytogenetic location: 5p13.2.
Variant type: single nucleotide variant.
Coding change: c.4156C>T on transcript NM_001384732.1 (MANE Select); coding-DNA position 4156, C replaced by T.
Protein change: p.Leu1386Phe; replaces leucine 1386 with phenylalanine.
Molecular consequence: missense variant.
Genome position (GRCh38, 1-based): chr5:37,186,319, G>A on the plus strand (C>T on the coding strand, the complement: CPLANE1 is on the minus strand). VCF-style: chr5-37186319-G-A. GRCh37 (hg19) VCF-style: chr5-37186421-G-A.
Other names: c.4156C>T, p.Leu1386Phe (NM_023073.4); short protein forms L1386F.
Identifiers: ClinVar variation 1427579 (VCV001427579.6), dbSNP rs769304117, ClinGen allele CA3238766.
Genomic context (GRCh38, chr5:37,186,319, plus strand): 5'-AGCTATCTGAGAAACAACAAATAATACCTTTCACAACACAGTGTCTGAGTCTCTGGTGAA[G>A]AGAGTGATATTTGTCTCTTAAAGGAACCCTCACGTCCTCAGGATAGGGAAATGCTTTCAC-3'
Protein context (NP_001371661.1, residues 1376-1396): RVPLRDKYHS[Leu1386Phe]HQRLRHCVVK

ClinVar aggregate classification (germline): Uncertain significance. Review status: criteria provided, multiple submitters, no conflicts (2 of 4 stars). 4 submissions from 4 submitters: Uncertain significance (4). Last evaluated 2024-08-21.

Conditions:
Joubert syndrome 17 (JBTS17). Identifiers: Orphanet 475, MedGen C3553264, MONDO:0013824, OMIM 614615.
Orofaciodigital syndrome type 6 (OFD6). Also called: OROFACIODIGITAL SYNDROME VI; OFDS VI; POLYDACTYLY, CLEFT LIP/PALATE OR LINGUAL LUMP, AND PSYCHOMOTOR RETARDATION; VARADI SYNDROME; VARADI-PAPP SYNDROME; Oral-facial-digital syndrome type 6. Identifiers: Orphanet 2754, MedGen C2745997, MONDO:0010176, OMIM 277170.

Allele frequency attached by ClinVar (database versions not stated): TOPMed 0.00002; gnomAD 0.00003 and 0.00005; gnomAD exomes 0.00004 and 0.00006; ExAC 0.00007.
gnomAD v4.1: 63 of 1,591,544 alleles (0.004%); highest among the groups gnomAD compares: South Asian, 0.022%; no homozygotes.

Submissions (4):

Blueprint Genetics
Classification: Uncertain significance. Last evaluated: 2024-08-21. Review status: criteria provided, single submitter. Criteria: ACMG Guidelines, 2015. Collection method: clinical testing. Allele origin: germline.

Victorian Clinical Genetics Services, Murdoch Childrens Research Institute
Classification: Uncertain significance for Orofaciodigital syndrome type 6. Last evaluated: 2023-07-17. Review status: criteria provided, single submitter. Criteria: ACMG Guidelines, 2015. Collection method: clinical testing. Allele origin: germline. Inheritance: Autosomal recessive inheritance. Affected: yes.
Comment: Based on the classification scheme VCGS_Germline_v1.3.4, this variant is classified as VUS-3B. Following criteria are met: 0102 - Loss of function is a known mechanism of disease in this gene and is associated with Joubert syndrome 17 (MIM#614615) and orofaciodigital syndrome VI (MIM#277170). (I) 0106 - This gene is associated with autosomal recessive disease. (I) 0200 - Variant is predicted to result in a missense amino acid change from leucine to phenylalanine. (I) 0251 - This variant is heterozygous. (I) 0304 - Variant is present in gnomAD (v2) <0.01 for a recessive condition (17 heterozygotes, 0 homozygotes). (SP) 0502 - Missense variant with conflicting in silico predictions and uninformative conservation. (I) 0604 - Variant is not located in an established domain, motif, hotspot or informative constraint region. (I) 0705 - No comparable missense variants have previous evidence for pathogenicity. (I) 0809 - Previous evidence of pathogenicity for this variant is inconclusive. This variant has been classified as a VUS by a clinical laboratory in ClinVar. This variant has also been observed in cis with p.(Ser2814Cys) in two internal VCGS cases. (I) 0905 - No published segregation evidence has been identified for this variant. (I) 1007 - No published functional evidence has been identified for this variant. (I) 1208 - Inheritance information for this variant is not currently available in this individual. (I) Legend: (SP) - Supporting pathogenic, (I) - Information, (SB) - Supporting benign

Fulgent Genetics
Classification: Uncertain significance for Orofaciodigital syndrome type 6; Joubert syndrome 17. Last evaluated: 2022-02-24. Review status: criteria provided, single submitter. Criteria: ACMG Guidelines, 2015. Collection method: clinical testing. Allele origin: unknown.

Labcorp Genetics (formerly Invitae), Labcorp
Classification: Uncertain significance. Last evaluated: 2022-02-22. Review status: criteria provided, single submitter. Criteria: Invitae Variant Classification Sherloc (09022015). Collection method: clinical testing. Allele origin: germline.
Comment: This sequence change replaces leucine, which is neutral and non-polar, with phenylalanine, which is neutral and non-polar, at codon 1386 of the CPLANE1 protein (p.Leu1386Phe). This variant is present in population databases (rs769304117, gnomAD 0.02%). This variant has not been reported in the literature in individuals affected with CPLANE1-related conditions. Algorithms developed to predict the effect of missense changes on protein structure and function are either unavailable or do not agree on the potential impact of this missense change (SIFT: "Deleterious"; PolyPhen-2: "Probably Damaging"; Align-GVGD: "Class C0"). In summary, the available evidence is currently insufficient to determine the role of this variant in disease. Therefore, it has been classified as a Variant of Uncertain Significance.